The following is an entry in ClinVar:

ClinVar aggregate classification (germline): Conflicting classifications of pathogenicity. Review status: criteria provided, conflicting classifications (1 of 4 stars). 6 submissions from 6 submitters: Uncertain significance (4); Likely benign (1). 1 of the submissions does not count toward it. Last evaluated 2026-10-02.

Conditions:
PKD1-related disorder. Also called: PKD1-related condition.
Inborn genetic diseases. Identifiers: MedGen C0950123, MeSH D030342.
Polycystic kidney disease. Also called: Polycystic kidney dysplasia; Kidney, Polycystic. Identifiers: MedGen C0022680, MeSH D007690, MONDO:0020642, HP:0000113.

Allele frequency attached by ClinVar (database versions not stated): gnomAD 0.00011; TOPMed 0.00013; gnomAD exomes 0.00014 and 0.00027; ESP Exome Variant Server 0.00039; ExAC 0.00013.
gnomAD v4.1: 407 of 1,608,992 alleles (0.025%); highest among the groups gnomAD compares: Non-Finnish European, 0.031%; no homozygotes.

Submissions (6):

GeneDx
Classification: Uncertain significance. Last evaluated: 2026-10-02. Review status: criteria provided, single submitter. Criteria: GeneDx Variant Classification Process June 2021. Collection method: clinical testing. Allele origin: germline.
Comment: Reported as a polymorphic variant in published literature (PMID: 22383692); In silico analysis supports that this missense variant has a deleterious effect on protein structure/function; This variant is associated with the following publications: (PMID: 22383692)

PreventionGenetics, part of Exact Sciences
Classification: Uncertain significance for PKD1-related condition. Last evaluated: 2026-06-26. Review status: criteria provided, single submitter. Criteria: ACMG Guidelines, 2015. Collection method: clinical testing. Allele origin: germline.
Comment: The PKD1 c.8755G>A variant is predicted to result in the amino acid substitution p.Gly2919Arg. To our knowledge, this variant has not been reported in the literature. This variant is reported in 0.023% of alleles in individuals of European (Non-Finnish) descent in gnomAD. Although we suspect that this variant on its own may be benign, at this time, the clinical significance of this variant is uncertain due to the absence of conclusive functional and genetic evidence.

Women's Health and Genetics/Laboratory Corporation of America, LabCorp
Classification: Uncertain significance. Last evaluated: 2025-09-16. Review status: criteria provided, single submitter. Criteria: LabCorp Variant Classification Summary - May 2015. Collection method: clinical testing. Allele origin: germline.
Comment: Variant summary: PKD1 c.8755G>A (p.Gly2919Arg) results in a non-conservative amino acid change in the encoded protein sequence. Algorithms developed to predict the effect of missense changes on protein structure and function are either unavailable or do not agree on the potential impact of this missense change. The variant allele was found at a frequency of 0.00014 in 242240 control chromosomes. This frequency is not significantly higher than estimated for disease-causing variants in PKD1, allowing no conclusion about variant significance. To our knowledge, no occurrence of c.8755G>A in individuals affected with PKD1-related conditions and no experimental evidence demonstrating its impact on protein function have been reported. ClinVar contains an entry for this variant (Variation ID: 997315). Based on the evidence outlined above, the variant was classified as uncertain significance.

Blueprint Genetics
Classification: Likely benign. Last evaluated: 2024-10-21. Review status: criteria provided, single submitter. Criteria: ACMG Guidelines, 2015. Collection method: clinical testing. Allele origin: germline.

Ambry Genetics
Classification: Uncertain significance for Inborn genetic diseases. Last evaluated: 2022-06-15. Review status: criteria provided, single submitter. Criteria: Ambry Variant Classification Scheme 2023. Collection method: clinical testing. Allele origin: germline.

Department of Pathology and Laboratory Medicine, Sinai Health System
Classification: Uncertain significance for Polycystic Kidney disease. Review status: no assertion criteria provided. Collection method: clinical testing. Allele origin: unknown. Affected: yes. Study: The Canadian Open Genetics Repository (COGR). Not counted in ClinVar's aggregate classification.
Comment: The PKD1 p.Gly2919Arg variant was identified in 1 of 460 proband chromosomes (frequency: 0.002) from individuals or families with ADPKD (Rossetti 2012), for which the variant was considered a polymorphism. The variant was also identified in dbSNP (ID: rs139438157) as â€šÃ„ÃºNA alleleâ€šÃ„Ã¹, and ADPKD Mutation Database (classified as indeterminate). The variant was not identified in ClinVar, LOVD 3.0, or PKD1-LOVD databases. The variant was identified in control databases in 39 of 270242 chromosomes at a frequency of 0.0001 increasing the likelihood this could be a low frequency variant (Genome Aggregation Consortium Feb 27, 2017). It was identified in the following populations: African in 2 of 23046 chromosomes (frequency: 0.00009), Other in 1 of 6352 chromosomes (frequency: 0.0002), Latino in 1 of 34370 chromosomes (frequency: 0.00003), European Non-Finnish in 27 of 122782 chromosomes (frequency: 0.00009), East Asian in 1 of 18772 chromosomes (frequency: 0.00005), and South Asian in 7 of 30746 chromosomes (frequency: 0.0002). In addition we cannot be certain that data from control databases is specific to PKD1 and not from one of the six PKD1 pseudogenes. The p.Gly2919 residue is conserved in mammals but not in more distantly related organisms, and computational analyses (PolyPhen-2, SIFT, AlignGVGD, BLOSUM, MutationTaster) suggest that the variant may impact the protein; however, this information is not predictive enough to assume pathogenicity. The variant occurs outside of the splicing consensus sequence and 1 of 5 in silico or computational prediction software programs (SpliceSiteFinder, MaxEntScan, NNSPLICE, GeneSplicer, HumanSpliceFinder) predict a greater than 10% difference in splicing; this is not very predictive of pathogenicity. In summary, based on the above information the clinical significance of this variant cannot be determined with certainty at this time. This variant is classified as a variant of uncertain significance.

NM_001009944.3(PKD1):c.8755G>A (p.Gly2919Arg)

Gene: PKD1 (polycystin 1, transient receptor potential channel interacting; minus strand). Cytogenetic location: 16p13.3.
Variant type: single nucleotide variant.
Coding change: c.8755G>A on transcript NM_001009944.3 (MANE Select); coding-DNA position 8755, G replaced by A.
Protein change: p.Gly2919Arg; replaces glycine 2919 with arginine.
Molecular consequence: missense variant.
Genome position (GRCh38, 1-based): chr16:2,103,302, C>T on the plus strand (G>A on the coding strand, the complement: PKD1 is on the minus strand). VCF-style: chr16-2103302-C-T. GRCh37 (hg19) VCF-style: chr16-2153303-C-T.
Other names: c.8755G>A, p.Gly2919Arg (NM_000296.4); c.8755G>A (NM_001009944.2, NM_000296.3); short protein forms G2919R.
Identifiers: ClinVar variation 997315 (VCV000997315.10), dbSNP rs139438157, ClinGen allele CA7830395.
Genomic context (GRCh38, chr16:2,103,302, plus strand): 5'-GTGTGCCCCACCCGCTGCACGCACCGTCCAGCAGCGTATAGTTGAGCTGCAGATGCAGCC[C>T]GGCCGCAGGGTTGCTGCTGTCCAGGGTGACCACAGCACCGACGGAGGCCTGGGGCTGGAC-3'
Protein context (NP_001009944.3, residues 2909-2929): VTLDSSNPAA[Gly2919Arg]LHLQLNYTLL